The following is an entry in ClinVar:

NM_182961.4(SYNE1):c.6254T>C (p.Ile2085Thr)

Gene: SYNE1 (spectrin repeat containing nuclear envelope protein 1; minus strand). Cytogenetic location: 6q25.2.
Variant type: single nucleotide variant.
Coding change: c.6254T>C on transcript NM_182961.4 (MANE Select); coding-DNA position 6254, T replaced by C.
Protein change: p.Ile2085Thr; replaces isoleucine 2085 with threonine.
Molecular consequence: missense variant.
Genome position (GRCh38, 1-based): chr6:152,409,686, A>G on the plus strand (T>C on the coding strand, the complement: SYNE1 is on the minus strand). VCF-style: chr6-152409686-A-G. GRCh37 (hg19) VCF-style: chr6-152730821-A-G.
Other names: c.6275T>C, p.Ile2092Thr (NM_033071.5); short protein forms I2085T, I2092T.
Identifiers: ClinVar variation 285732 (VCV000285732.18), dbSNP rs577979265, ClinGen allele CA4058121.

ClinVar aggregate classification (germline): Conflicting classifications of pathogenicity. Review status: criteria provided, conflicting classifications (1 of 4 stars). 6 submissions from 5 submitters: Uncertain significance (5); Benign (1). Last evaluated 2023-12-06.

Conditions:
Autosomal recessive ataxia, Beauce type. Also called: Spinocerebellar ataxia, autosomal recessive 8; ATAXIA, RECESSIVE, OF BEAUCE; SYNE1 Deficiency; SYNE1-Related Autosomal Recessive Cerebellar Ataxia. Identifiers: Orphanet 88644, MedGen C1853116, MONDO:0012549, OMIM 610743.
Emery-Dreifuss muscular dystrophy 4, autosomal dominant (EDMD4). Also called: EMERY-DREIFUSS MUSCULAR DYSTROPHY 4 WITH VARIABLE FEATURES. Identifiers: Orphanet 261, MedGen C2751807, MONDO:0013071, OMIM 612998.

Allele frequency attached by ClinVar (database versions not stated): TOPMed 0.00008; 1000 Genomes Project 30x 0.00016; 1000 Genomes Project 0.00020; gnomAD exomes 0.00004 and 0.00008; ExAC 0.00007; gnomAD 0.00007 and 0.00008.
gnomAD v4.1: 81 of 1,613,784 alleles (0.005%); highest among the groups gnomAD compares: Middle Eastern, 0.066%; no homozygotes.

Submissions (6):

Athena Diagnostics
Classification: Uncertain significance. Last evaluated: 2023-12-06. Review status: criteria provided, single submitter. Criteria: Athena Diagnostics Criteria. Collection method: clinical testing. Allele origin: unknown.
Comment: Available data are insufficient to determine the clinical significance of the variant at this time. The frequency of this variant in the general population is uninformative in assessment of its pathogenicity. Computational tools disagree on the variant's effect on normal protein function.

GeneDx
Classification: Uncertain significance. Last evaluated: 2023-08-24. Review status: criteria provided, single submitter. Criteria: GeneDx Variant Classification Process June 2021. Collection method: clinical testing. Allele origin: germline. Affected: yes.
Comment: In silico analysis supports that this missense variant has a deleterious effect on protein structure/function; Has not been previously published as pathogenic or benign to our knowledge

Labcorp Genetics (formerly Invitae), Labcorp
Classification: Uncertain significance for Emery-Dreifuss muscular dystrophy 4, autosomal dominant; Autosomal recessive ataxia, Beauce type. Last evaluated: 2022-08-19. Review status: criteria provided, single submitter. Criteria: Invitae Variant Classification Sherloc (09022015). Collection method: clinical testing. Allele origin: germline.
Comment: This sequence change replaces isoleucine, which is neutral and non-polar, with threonine, which is neutral and polar, at codon 2092 of the SYNE1 protein (p.Ile2092Thr). This variant is present in population databases (rs577979265, gnomAD 0.02%). This variant has not been reported in the literature in individuals affected with SYNE1-related conditions. ClinVar contains an entry for this variant (Variation ID: 285732). Algorithms developed to predict the effect of missense changes on protein structure and function are either unavailable or do not agree on the potential impact of this missense change (SIFT: "Deleterious"; PolyPhen-2: "Benign"; Align-GVGD: "Class C65"). In summary, the available evidence is currently insufficient to determine the role of this variant in disease. Therefore, it has been classified as a Variant of Uncertain Significance.

Illumina Laboratory Services, Illumina
Classification: Benign for Emery-Dreifuss muscular dystrophy 4, autosomal dominant. Last evaluated: 2018-01-13. Review status: criteria provided, single submitter. Criteria: ICSL Variant Classification Criteria 13 December 2019. Collection method: clinical testing. Allele origin: germline.
Comment: This variant was observed in the ICSL laboratory as part of a predisposition screen in an ostensibly healthy population. It had not been previously curated by ICSL or reported in the Human Gene Mutation Database (HGMD: prior to June 1st, 2018), and was therefore a candidate for classification through an automated scoring system. Utilizing variant allele frequency, disease prevalence and penetrance estimates, and inheritance mode, an automated score was calculated to assess if this variant is too frequent to cause the disease. Based on the score and internal cut-off values, a variant classified as benign is not then subjected to further curation. The score for this variant resulted in a classification of benign for this disease.

Illumina Laboratory Services, Illumina
Classification: Uncertain significance for Autosomal recessive ataxia, Beauce type. Last evaluated: 2018-01-13. Review status: criteria provided, single submitter. Criteria: ICSL Variant Classification Criteria 13 December 2019. Collection method: clinical testing. Allele origin: germline.

Eurofins Ntd Llc (ga)
Classification: Uncertain significance. Last evaluated: 2016-01-23. Review status: criteria provided, single submitter. Criteria: EGL Classification Definitions 2015. Collection method: clinical testing. Allele origin: germline. Observed: 1 variant allele, 1 heterozygote.